The following is an entry in ClinVar:

NM_015122.3(FCHO1):c.2036G>A (p.Arg679Gln)

Gene: FCHO1 (FCH and mu domain containing endocytic adaptor 1; plus strand). Cytogenetic location: 19p13.11.
Variant type: single nucleotide variant.
Coding change: c.2036G>A on transcript NM_015122.3 (MANE Select); coding-DNA position 2036, G replaced by A.
Protein change: p.Arg679Gln; replaces arginine 679 with glutamine.
Molecular consequence: missense variant. On other transcripts: non-coding transcript variant (36).
Genome position (GRCh38, 1-based): chr19:17,783,115, G>A. VCF-style: chr19-17783115-G-A. GRCh37 (hg19) VCF-style: chr19-17893924-G-A.
Other names: c.2036G>A, p.Arg679Gln (NM_001161357.2, NM_001161358.2, NM_001384370.1 and 13 more transcripts); c.1886G>A, p.Arg629Gln (NM_001161359.2, NM_001384384.1, NM_001384385.1 and 1 more transcripts); c.1997G>A, p.Arg666Gln (NM_001384388.1, NM_001384389.1, NM_001384405.1); c.1961G>A, p.Arg654Gln (NM_001384390.1); c.1919G>A, p.Arg640Gln (NM_001384392.1, NM_001384393.1, NM_001384394.1 and 1 more transcripts); c.1760G>A, p.Arg587Gln (NM_001384396.1, NM_001384397.1, NM_001384398.1 and 5 more transcripts); c.1715G>A, p.Arg572Gln (NM_001384403.1); c.1610G>A, p.Arg537Gln (NM_001384406.1); and 2 more; short protein forms R640Q, R679Q, R537Q, R629Q, R489Q, R572Q, R587Q, R654Q.
Identifiers: ClinVar variation 1488241 (VCV001488241.6), dbSNP rs530286781, ClinGen allele CA9300724.
Genomic context (GRCh38, chr19:17,783,115, plus strand): 5'-TCCCTGCTGGCATCGTGCGTGTGTTCAGCGGGACCCCACCACCACCTGTCCTCAGCTTCC[G>A]GCTTGTACACACAACCGCTATTGAGCACTTCCAGCCCAACGCCGATCTGCTGTTCAGGTA-3'
Protein context (NP_055937.1, residues 669-689): GTPPPPVLSF[Arg679Gln]LVHTTAIEHF

ClinVar aggregate classification (germline): Uncertain significance. Review status: criteria provided, multiple submitters, no conflicts (2 of 4 stars). 2 submissions from 2 submitters: Uncertain significance (2). Last evaluated 2022-08-22.

Allele frequency attached by ClinVar (database versions not stated): TOPMed 0.00001; ExAC 0.00002; gnomAD exomes 0.00003; gnomAD 0.00004; 1000 Genomes Project 30x 0.00016; 1000 Genomes Project 0.00020.

Submissions (2):

Labcorp Genetics (formerly Invitae), Labcorp
Classification: Uncertain significance. Last evaluated: 2022-08-22. Review status: criteria provided, single submitter. Criteria: Invitae Variant Classification Sherloc (09022015). Collection method: clinical testing. Allele origin: germline.
Comment: This sequence change replaces arginine, which is basic and polar, with glutamine, which is neutral and polar, at codon 679 of the FCHO1 protein (p.Arg679Gln). This variant is present in population databases (rs530286781, gnomAD 0.006%). This variant has not been reported in the literature in individuals affected with FCHO1-related conditions. ClinVar contains an entry for this variant (Variation ID: 1488241). Algorithms developed to predict the effect of missense changes on protein structure and function are either unavailable or do not agree on the potential impact of this missense change (SIFT: "Deleterious"; PolyPhen-2: "Probably Damaging"; Align-GVGD: "Class C0"). Algorithms developed to predict the effect of sequence changes on RNA splicing suggest that this variant may create or strengthen a splice site. In summary, the available evidence is currently insufficient to determine the role of this variant in disease. Therefore, it has been classified as a Variant of Uncertain Significance.

Ambry Genetics
Classification: Uncertain significance. Last evaluated: 2021-07-09. Review status: criteria provided, single submitter. Criteria: Ambry Variant Classification Scheme 2023. Collection method: clinical testing. Allele origin: germline.